The following is an entry in ClinVar:

ClinVar aggregate classification (germline): Uncertain significance (0 of 4 stars; one submission).

Conditions:
KMT2D-related disorder. Also called: KMT2D-Related Disorders.

Submission:

PreventionGenetics, part of Exact Sciences
Classification: Uncertain significance for KMT2D-related condition. Last evaluated: 2023-11-11. Review status: no assertion criteria provided. Collection method: clinical testing. Allele origin: germline.
Comment: The KMT2D c.6532G>A variant is predicted to result in the amino acid substitution p.Gly2178Arg. To our knowledge, this variant has not been reported in the literature or in a large population database, indicating this variant is rare. At this time, the clinical significance of this variant is uncertain due to the absence of conclusive functional and genetic evidence.

NM_003482.4(KMT2D):c.6532G>A (p.Gly2178Arg)

Gene: KMT2D (lysine methyltransferase 2D; minus strand). Cytogenetic location: 12q13.12.
Variant type: single nucleotide variant.
Coding change: c.6532G>A on transcript NM_003482.4 (MANE Select); coding-DNA position 6532, G replaced by A.
Protein change: p.Gly2178Arg; replaces glycine 2178 with arginine.
Molecular consequence: missense variant.
Genome position (GRCh38, 1-based): chr12:49,041,238, C>T on the plus strand (G>A on the coding strand, the complement: KMT2D is on the minus strand). VCF-style: chr12-49041238-C-T. GRCh37 (hg19) VCF-style: chr12-49435021-C-T.
Other names: short protein forms G2178R.
Identifiers: ClinVar variation 3050638 (VCV003050638.2), dbSNP rs2498402716, ClinGen allele CA384750539.